The following is an entry in ClinVar:

NM_007118.4(TRIO):c.4437C>G (p.Asn1479Lys)

Gene: TRIO (trio Rho guanine nucleotide exchange factor; plus strand). Cytogenetic location: 5p15.2.
Variant type: single nucleotide variant.
Coding change: c.4437C>G on transcript NM_007118.4 (MANE Select); coding-DNA position 4437, C replaced by G.
Protein change: p.Asn1479Lys; replaces asparagine 1479 with lysine.
Molecular consequence: missense variant. On other transcripts: non-coding transcript variant (1).
Genome position (GRCh38, 1-based): chr5:14,398,893, C>G. VCF-style: chr5-14398893-C-G. GRCh37 (hg19) VCF-style: chr5-14399002-C-G.
Other names: short protein forms N1479K.
Identifiers: ClinVar variation 3365256 (VCV003365256.1).
Genomic context (GRCh38, chr5:14,398,893, plus strand): 5'-TTTATTTTTCTTTTAAATTGATTTGCCTCCCTTTTTTCATGTTGTAGGGTTTGATGAAAA[C>G]ATTGAGTCTCAGGGAGAACTCATCCTACAGGAATCCTTCCAAGTGTGGGACCCAAAAACC-3'
Protein context (NP_009049.2, residues 1469-1489): HLSMLEGFDE[Asn1479Lys]IESQGELILQ

ClinVar aggregate classification (germline): Uncertain significance (1 of 4 stars; one submission).

Submission:

GeneDx
Classification: Uncertain significance. Last evaluated: 2023-12-02. Review status: criteria provided, single submitter. Criteria: GeneDx Variant Classification Process June 2021. Collection method: clinical testing. Allele origin: germline. Affected: yes.
Comment: Not observed at significant frequency in large population cohorts (gnomAD); In silico analysis supports that this missense variant has a deleterious effect on protein structure/function; Has not been previously published as pathogenic or benign to our knowledge